The following is an entry in ClinVar:

NM_003000.3(SDHB):c.514C>T (p.Gln172Ter)

Gene: SDHB (succinate dehydrogenase complex iron sulfur subunit B; minus strand). Cytogenetic location: 1p36.13.
Variant type: single nucleotide variant.
Coding change: c.514C>T on transcript NM_003000.3 (MANE Select); coding-DNA position 514, C replaced by T.
Protein change: p.Gln172Ter; replaces glutamine 172 with a stop codon.
Molecular consequence: nonsense.
Genome position (GRCh38, 1-based): chr1:17,027,775, G>A on the plus strand (C>T on the coding strand, the complement: SDHB is on the minus strand). VCF-style: chr1-17027775-G-A. GRCh37 (hg19) VCF-style: chr1-17354270-G-A.
Other names: c.460C>T, p.Gln154Ter (NM_001407361.1); short protein forms Q154*, Q172*.
Identifiers: ClinVar variation 5029255 (VCV005029255.1).

ClinVar aggregate classification (germline): Pathogenic (1 of 4 stars; one submission).

Conditions:
Hereditary cancer-predisposing syndrome. Also called: Neoplastic Syndromes, Hereditary; Tumor predisposition; Hereditary neoplastic syndrome; Hereditary Cancer Syndrome. Identifiers: Orphanet 140162, MedGen C0027672, MeSH D009386, MONDO:0015356.

gnomAD v4.1: 2 of 1,605,422 alleles (0.00012%); highest among the groups gnomAD compares: Non-Finnish European, 0.00017%; no homozygotes.

Submission:

Ambry Genetics
Classification: Pathogenic for Hereditary cancer-predisposing syndrome. Last evaluated: 2026-06-15. Review status: criteria provided, single submitter. Criteria: Ambry Variant Classification Scheme 2023. Collection method: clinical testing. Allele origin: germline.
Comment: The p.Q172* pathogenic mutation (also known as c.514C>T), located in coding exon 5 of the SDHB gene, results from a C to T substitution at nucleotide position 514. This changes the amino acid from a glutamine to a stop codon within coding exon 5. This variant was reported in individuals with features consistent with SDHB-related hereditary pheochromocytoma-paraganglioma (Bayley JP et al. J Med Genet, 2020 Feb;57:96-103; Ambry internal data). This variant is considered to be rare based on population cohorts in the Genome Aggregation Database (gnomAD). This alteration is expected to result in loss of function by premature protein truncation or nonsense-mediated mRNA decay. As such, this alteration is interpreted as a disease-causing mutation.

Literature cited by the submitters: PubMed 31492822.